The following is an entry in ClinVar:

NM_001715.3(BLK):c.369-9G>A

Genes: BLK (BLK proto-oncogene, Src family tyrosine kinase), LOC126860303 (CDK7 strongly-dependent group 2 enhancer GRCh37_chr8:11407118-11408317). Cytogenetic location: 8p23.1.
Variant type: single nucleotide variant.
Coding change: c.369-9G>A on transcript NM_001715.3 (MANE Select); 9 bases into the intron before coding-DNA position 369, G replaced by A.
Molecular consequence: intron variant.
Genome position (GRCh38, 1-based): chr8:11,550,150, G>A. VCF-style: chr8-11550150-G-A. GRCh37 (hg19) VCF-style: chr8-11407659-G-A.
Other names: c.156-9G>A (NM_001330465.2); c.369-9G>A (NM_001715.2).
Identifiers: ClinVar variation 2712322 (VCV002712322.4), dbSNP rs370810777, ClinGen allele CA4629862.

ClinVar aggregate classification (germline): Likely benign. Review status: criteria provided, single submitter (1 of 4 stars). 2 submissions from 2 submitters: Likely benign (1). 1 of the submissions does not count toward it. Last evaluated 2025-11-16.

Conditions:
BLK-related disorder. Also called: BLK-related condition.

Allele frequency attached by ClinVar (database versions not stated): gnomAD 0.00005; ESP Exome Variant Server 0.00008; TOPMed 0.00009.
gnomAD v4.1: 97 of 1,613,490 alleles (0.006%); highest among the groups gnomAD compares: South Asian, 0.021%; no homozygotes.

Submissions (2):

Labcorp Genetics (formerly Invitae), Labcorp
Classification: Likely benign. Last evaluated: 2025-11-16. Review status: criteria provided, single submitter. Criteria: Invitae Variant Classification Sherloc (09022015). Collection method: clinical testing. Allele origin: germline.

PreventionGenetics, part of Exact Sciences
Classification: Likely benign for BLK-related condition. Last evaluated: 2019-09-19. Review status: no assertion criteria provided. Collection method: clinical testing. Allele origin: germline. Not counted in ClinVar's aggregate classification.
Comment: This variant is classified as likely benign based on ACMG/AMP sequence variant interpretation guidelines (Richards et al. 2015 PMID: 25741868, with internal and published modifications).